The following is an entry in ClinVar:

NM_007118.4(TRIO):c.4127G>C (p.Trp1376Ser)

Gene: TRIO (trio Rho guanine nucleotide exchange factor; plus strand). Cytogenetic location: 5p15.2.
Variant type: single nucleotide variant.
Coding change: c.4127G>C on transcript NM_007118.4 (MANE Select); coding-DNA position 4127, G replaced by C.
Protein change: p.Trp1376Ser; replaces tryptophan 1376 with serine.
Molecular consequence: missense variant. On other transcripts: non-coding transcript variant (1).
Genome position (GRCh38, 1-based): chr5:14,390,299, G>C. VCF-style: chr5-14390299-G-C. GRCh37 (hg19) VCF-style: chr5-14390408-G-C.
Other names: short protein forms W1376S.
Identifiers: ClinVar variation 998683 (VCV000998683.8), dbSNP rs79341256, ClinGen allele CA359230750.

ClinVar aggregate classification (germline): Uncertain significance (1 of 4 stars; one submission).

Submission:

Labcorp Genetics (formerly Invitae), Labcorp
Classification: Uncertain significance. Last evaluated: 2022-07-26. Review status: criteria provided, single submitter. Criteria: Invitae Variant Classification Sherloc (09022015). Collection method: clinical testing. Allele origin: germline.
Comment: In summary, the available evidence is currently insufficient to determine the role of this variant in disease. Therefore, it has been classified as a Variant of Uncertain Significance. Algorithms developed to predict the effect of missense changes on protein structure and function are either unavailable or do not agree on the potential impact of this missense change (SIFT: "Not Available"; PolyPhen-2: "Probably Damaging"; Align-GVGD: "Not Available"). ClinVar contains an entry for this variant (Variation ID: 998683). This variant has not been reported in the literature in individuals affected with TRIO-related conditions. This variant is not present in population databases (gnomAD no frequency). This sequence change replaces tryptophan, which is neutral and slightly polar, with serine, which is neutral and polar, at codon 1376 of the TRIO protein (p.Trp1376Ser).